The following is an entry in ClinVar:

ClinVar aggregate classification (germline): Pathogenic (1 of 4 stars; one submission).

Conditions:
Autosomal recessive nonsyndromic hearing loss 3. Also called: NEUROSENSORY NONSYNDROMIC RECESSIVE DEAFNESS 3. Identifiers: Orphanet 90636, MedGen C1838263, MONDO:0010860, OMIM 600316.

Submission:

King Laboratory, University of Washington
Classification: Pathogenic for Autosomal recessive nonsyndromic hearing loss 3. Last evaluated: 2023-02-28. Review status: criteria provided, single submitter. Criteria: Li et al. (Genet Med. 2022). Collection method: research. Allele origin: unknown. Affected: yes.
Comment: This variant occurred in compound heterozygosity with a MYO15A missense variant in a patient with bilateral sensorineural hearing loss of onset <18 years, in a study of pediatric hearing loss conducted by the King Laboratory (Carlson RJ et al. JAMA-OtoHNS 2023). This patient’s family has no other history of hearing loss. This variant is a nonsense that leads to termination at position 2200 of the 3530 amino acid MYO15A protein. As of January 2023, this variant has not been reported to ClinVar and is not found on gnomAD. Based on the prediction that this variant leads to a truncated protein and goodness of fit of genotype to phenotype, we conclude that this variant is pathogenic.

Literature cited by the submitters: PubMed 36633841.

NM_016239.4(MYO15A):c.6599C>A (p.Ser2200Ter)

Gene: MYO15A (myosin XVA; plus strand). Cytogenetic location: 17p11.2.
Variant type: single nucleotide variant.
Coding change: c.6599C>A on transcript NM_016239.4 (MANE Select); coding-DNA position 6599, C replaced by A.
Protein change: p.Ser2200Ter; replaces serine 2200 with a stop codon.
Molecular consequence: nonsense.
Genome position (GRCh38, 1-based): chr17:18,148,118, C>A. VCF-style: chr17-18148118-C-A. GRCh37 (hg19) VCF-style: chr17-18051432-C-A.
Other names: short protein forms S2200*.
Identifiers: ClinVar variation 2445656 (VCV002445656.1), dbSNP rs368883685, ClinGen allele CA398610399.
Genomic context (GRCh38, chr17:18,148,118, plus strand): 5'-TCCAGGCTGTGTGTCAGCACCGCCTCATGCAGGCCATGGGCCGGGCCCAACAGCAGGGCT[C>A]GGGGGCTGCCCGCACCTTACCCCCGACCCAGCTCGAGTGGACAGCGACCTATGAGAAGGC-3'